The following is an entry in ClinVar:

ClinVar aggregate classification (germline): Uncertain significance. Review status: criteria provided, multiple submitters, no conflicts (2 of 4 stars). 2 submissions from 2 submitters: Uncertain significance (2). Last evaluated 2025-01-23.

Conditions:
Hereditary cancer-predisposing syndrome. Also called: Tumor predisposition; Hereditary Cancer Syndrome; Neoplastic Syndromes, Hereditary; Hereditary neoplastic syndrome. Identifiers: Orphanet 140162, MedGen C0027672, MeSH D009386, MONDO:0015356.
Ataxia-telangiectasia syndrome (AT). Also called: Cerebello-oculocutaneous telangiectasia; Immunodeficiency with ataxia telangiectasia; ATAXIA-TELANGIECTASIA, COMPLEMENTATION GROUP A; ATAXIA-TELANGIECTASIA, FRESNO VARIANT; LOUIS-BAR SYNDROME; Ataxia-telangiectasia, complementation group E. Identifiers: Orphanet 100, MedGen C0004135, MONDO:0008840, OMIM 208900.

Submissions (2):

Ambry Genetics
Classification: Uncertain significance for Hereditary cancer-predisposing syndrome. Last evaluated: 2025-01-23. Review status: criteria provided, single submitter. Criteria: Ambry Variant Classification Scheme 2023. Collection method: clinical testing. Allele origin: germline.
Comment: The p.I1846F variant (also known as c.5536A>T), located in coding exon 36 of the ATM gene, results from an A to T substitution at nucleotide position 5536. The isoleucine at codon 1846 is replaced by phenylalanine, an amino acid with highly similar properties. This amino acid position is conserved. In addition, the in silico prediction for this alteration is inconclusive. Based on the available evidence, the clinical significance of this variant remains unclear.

Labcorp Genetics (formerly Invitae), Labcorp
Classification: Uncertain significance for Ataxia-telangiectasia syndrome. Last evaluated: 2020-07-29. Review status: criteria provided, single submitter. Criteria: Invitae Variant Classification Sherloc (09022015). Collection method: clinical testing. Allele origin: germline.
Comment: In summary, the available evidence is currently insufficient to determine the role of this variant in disease. Therefore, it has been classified as a Variant of Uncertain Significance. Advanced modeling of protein sequence and biophysical properties (such as structural, functional, and spatial information, amino acid conservation, physicochemical variation, residue mobility, and thermodynamic stability) performed at Invitae indicates that this missense variant is not expected to disrupt ATM protein function. This variant has not been reported in the literature in individuals with ATM-related conditions. This variant is not present in population databases (ExAC no frequency). This sequence change replaces isoleucine with phenylalanine at codon 1846 of the ATM protein (p.Ile1846Phe). The isoleucine residue is moderately conserved and there is a small physicochemical difference between isoleucine and phenylalanine.

NM_000051.4(ATM):c.5536A>T (p.Ile1846Phe)

Gene: ATM (ATM serine/threonine kinase; plus strand). Cytogenetic location: 11q22.3.
Variant type: single nucleotide variant.
Coding change: c.5536A>T on transcript NM_000051.4 (MANE Select); coding-DNA position 5536, A replaced by T.
Protein change: p.Ile1846Phe; replaces isoleucine 1846 with phenylalanine.
Molecular consequence: missense variant.
Genome position (GRCh38, 1-based): chr11:108,304,714, A>T. VCF-style: chr11-108304714-A-T. GRCh37 (hg19) VCF-style: chr11-108175441-A-T.
Other names: c.5536A>T (NM_000051.3); c.5536A>T, p.Ile1846Phe (NM_001351834.2); short protein forms I1846F.
Identifiers: ClinVar variation 1017172 (VCV001017172.9), dbSNP rs587779849, ClinGen allele CA382545899.